The following is an entry in ClinVar:

ClinVar aggregate classification (germline): Uncertain significance (1 of 4 stars; one submission).

Conditions:
Dilated cardiomyopathy 1G (CMD1G). Identifiers: Orphanet 154, MedGen C1858763, MONDO:0011400, OMIM 604145.
Autosomal recessive limb-girdle muscular dystrophy type 2J (LGMDR10). Also called: Limb-girdle muscular dystrophy, type 2J; MUSCULAR DYSTROPHY, LIMB-GIRDLE, AUTOSOMAL RECESSIVE 10. Identifiers: Orphanet 140922, MedGen C1837342, MONDO:0012127, OMIM 608807.

Submission:

Labcorp Genetics (formerly Invitae), Labcorp
Classification: Uncertain significance for Dilated cardiomyopathy 1G; Autosomal recessive limb-girdle muscular dystrophy type 2J. Last evaluated: 2021-12-18. Review status: criteria provided, single submitter. Criteria: Invitae Variant Classification Sherloc (09022015). Collection method: clinical testing. Allele origin: germline.
Comment: In summary, the available evidence is currently insufficient to determine the role of this variant in disease. Therefore, it has been classified as a Variant of Uncertain Significance. This sequence change falls in intron 166 of the TTN gene. It does not directly change the encoded amino acid sequence of the TTN protein. It affects a nucleotide within the consensus splice site. This variant is not present in population databases (gnomAD no frequency). This variant has not been reported in the literature in individuals affected with TTN-related conditions. Experimental studies and prediction algorithms are not available or were not evaluated, and the functional significance of this variant is currently unknown. Variants that disrupt the consensus splice site are a relatively common cause of aberrant splicing (PMID: 17576681, 9536098). Algorithms developed to predict the effect of sequence changes on RNA splicing suggest that this variant may disrupt the consensus splice site. This variant is located in the I band of TTN (PMID: 25589632). Variants in this region may be clinically relevant, but have not been definitively shown to cause cardiomyopathy or neuromuscular disease (PMID: 27493940, 32778822).

Literature cited by the submitters: PubMed 17576681; PubMed 9536098; PubMed 25589632; PubMed 27493940; PubMed 32778822.

NM_001267550.2(TTN):c.36118+3A>G

Gene: TTN (titin; minus strand). Cytogenetic location: 2q31.2.
Variant type: single nucleotide variant.
Coding change: c.36118+3A>G on transcript NM_001267550.2 (MANE Select); 3 bases into the intron after coding-DNA position 36118, A replaced by G.
Molecular consequence: intron variant.
Genome position (GRCh38, 1-based): chr2:178,664,849, T>C on the plus strand (A>G on the coding strand, the complement: TTN is on the minus strand). VCF-style: chr2-178664849-T-C. GRCh37 (hg19) VCF-style: chr2-179529576-T-C.
Other names: c.13283-22532A>G (NM_003319.4); c.13859-22532A>G (NM_133437.4); c.13658-22532A>G (NM_133432.3); c.31484-1794A>G (NM_133378.4); c.34265-1794A>G (NM_001256850.1).
Identifiers: ClinVar variation 2046363 (VCV002046363.4), dbSNP rs2473025896, ClinGen allele CA2580065058.